The following is an entry in ClinVar:

ClinVar aggregate classification (germline): Likely benign. Review status: criteria provided, multiple submitters, no conflicts (2 of 4 stars). 2 submissions from 2 submitters: Likely benign (2). Last evaluated 2018-06-14.

Allele frequency attached by ClinVar (database versions not stated): 1000 Genomes Project 0.00639; ExAC below 0.00001; gnomAD exomes 0.00039 and 0.00024; 1000 Genomes Project 30x 0.00687; TOPMed 0.00771; gnomAD 0.00729 and 0.00779.

Submissions (2):

GeneDx
Classification: Likely benign. Last evaluated: 2018-06-14. Review status: criteria provided, single submitter. Criteria: GeneDx Variant Classification (06012015). Collection method: clinical testing. Allele origin: germline. Affected: yes.
Comment: This variant is considered likely benign or benign based on one or more of the following criteria: it is a conservative change, it occurs at a poorly conserved position in the protein, it is predicted to be benign by multiple in silico algorithms, and/or has population frequency not consistent with disease.

Breakthrough Genomics
Classification: Likely benign. Review status: criteria provided, single submitter. Criteria: ACMG Guidelines, 2015. Collection method: not provided. Allele origin: germline. Inheritance: Autosomal recessive inheritance. Affected: yes.

NM_001909.4(CTSD):c.-358G>A

Genes: CTSD (cathepsin D; minus strand), LOC130005119 (ATAC-STARR-seq lymphoblastoid silent region 3058; plus strand). Cytogenetic location: 11p15.5.
Variant type: single nucleotide variant.
Coding change: c.-358G>A on transcript NM_001909.4; 358 bases upstream of the start codon, G replaced by A.
Genome position (GRCh38, 1-based): chr11:1,764,217, C>T on the plus strand (G>A on the coding strand, the complement: CTSD is on the minus strand). VCF-style: chr11-1764217-C-T. GRCh37 (hg19) VCF-style: chr11-1785447-C-T.
Identifiers: ClinVar variation 672946 (VCV000672946.4), dbSNP rs191726273, ClinGen allele CA5814340.